The following is an entry in ClinVar:

ClinVar aggregate classification (germline): Conflicting classifications of pathogenicity. Review status: criteria provided, conflicting classifications (1 of 4 stars). 2 submissions from 2 submitters: Uncertain significance (1); Likely benign (1). Last evaluated 2026-09-04.

Conditions:
Hereditary cancer-predisposing syndrome. Also called: Tumor predisposition; Neoplastic Syndromes, Hereditary; Hereditary neoplastic syndrome; Hereditary Cancer Syndrome. Identifiers: Orphanet 140162, MedGen C0027672, MeSH D009386, MONDO:0015356.
Familial adenomatous polyposis 2. Also called: MUTYH-related attenuated familial adenomatous polyposis; MUTYH-associated polyposis; Adenomas, multiple colorectal; MUTYH Polyposis; COLORECTAL ADENOMATOUS POLYPOSIS, AUTOSOMAL RECESSIVE; ADENOMAS, MULTIPLE COLORECTAL, AUTOSOMAL RECESSIVE. Identifiers: Orphanet 220460, Orphanet 247798, MedGen C3272841, MONDO:0012041, OMIM 608456.

Submissions (2):

Ambry Genetics
Classification: Likely benign for Hereditary cancer-predisposing syndrome. Last evaluated: 2026-09-04. Review status: criteria provided, single submitter. Criteria: Ambry Variant Classification Scheme 2023. Collection method: clinical testing. Allele origin: germline.

Labcorp Genetics (formerly Invitae), Labcorp
Classification: Uncertain significance for Familial adenomatous polyposis 2. Last evaluated: 2022-02-27. Review status: criteria provided, single submitter. Criteria: Invitae Variant Classification Sherloc (09022015). Collection method: clinical testing. Allele origin: germline.
Comment: In summary, the available evidence is currently insufficient to determine the role of this variant in disease. Therefore, it has been classified as a Variant of Uncertain Significance. Algorithms developed to predict the effect of sequence changes on RNA splicing suggest that this variant may disrupt the consensus splice site. Algorithms developed to predict the effect of missense changes on protein structure and function output the following: SIFT: "Tolerated"; PolyPhen-2: "Benign"; Align-GVGD: "Class C0". The arginine amino acid residue is found in multiple mammalian species, which suggests that this missense change does not adversely affect protein function. ClinVar contains an entry for this variant (Variation ID: 938146). This variant has not been reported in the literature in individuals affected with MUTYH-related conditions. This variant is not present in population databases (gnomAD no frequency). This sequence change replaces tryptophan, which is neutral and slightly polar, with arginine, which is basic and polar, at codon 12 of the MUTYH protein (p.Trp12Arg).

NM_001128425.2(MUTYH):c.34T>A (p.Trp12Arg)

Genes: MUTYH (mutY DNA glycosylase; minus strand), TOE1 (target of EGR1, exonuclease; plus strand). Cytogenetic location: 1p34.1.
Variant type: single nucleotide variant.
Coding change: c.34T>A on transcript NM_001128425.2 (MANE Plus Clinical); coding-DNA position 34, T replaced by A.
Protein change: p.Trp12Arg; replaces tryptophan 12 with arginine.
Molecular consequence: missense variant. On other transcripts: 5 prime UTR variant (7), non-coding transcript variant (2), splice donor variant (1).
Genome position (GRCh38, 1-based): chr1:45,340,221, A>T on the plus strand (T>A on the coding strand, the complement: MUTYH is on the minus strand). VCF-style: chr1-45340221-A-T. GRCh37 (hg19) VCF-style: chr1-45805893-A-T.
Other names: c.-32A>T (NM_025077.4); c.-9T>A (NM_001048171.2); c.34T>A, p.Trp12Arg (NM_001293190.2, NM_001407069.1, NM_001407073.1 and 1 more transcripts); c.-221T>A (NM_001293192.2); c.-280T>A (NM_001350650.2); c.-216T>A (NM_001350651.2); c.-25T>A (NM_001407070.1, NM_001407071.1); c.-7+2T>A (NM_001407072.1); short protein forms W12R.
Identifiers: ClinVar variation 938146 (VCV000938146.12), dbSNP rs1060501343, ClinGen allele CA340137836.